The following is an entry in ClinVar:

ClinVar aggregate classification (germline): Uncertain significance (1 of 4 stars; one submission).

Allele frequency attached by ClinVar (database versions not stated): TOPMed 0.00013; gnomAD 0.00014; gnomAD exomes 0.00015 and 0.00020; ExAC 0.00016; ESP Exome Variant Server 0.00023; 1000 Genomes Project 0.00040; 1000 Genomes Project 30x 0.00062.

Submission:

Labcorp Genetics (formerly Invitae), Labcorp
Classification: Uncertain significance. Last evaluated: 2022-05-27. Review status: criteria provided, single submitter. Criteria: Invitae Variant Classification Sherloc (09022015). Collection method: clinical testing. Allele origin: germline.
Comment: This sequence change replaces leucine, which is neutral and non-polar, with proline, which is neutral and non-polar, at codon 634 of the GGCX protein (p.Leu634Pro). This variant is present in population databases (rs55778564, gnomAD 0.03%). This variant has not been reported in the literature in individuals affected with GGCX-related conditions. Algorithms developed to predict the effect of missense changes on protein structure and function are either unavailable or do not agree on the potential impact of this missense change (SIFT: "Deleterious"; PolyPhen-2: "Benign"; Align-GVGD: "Class C0"). In summary, the available evidence is currently insufficient to determine the role of this variant in disease. Therefore, it has been classified as a Variant of Uncertain Significance.

NM_000821.7(GGCX):c.1901T>C (p.Leu634Pro)

Gene: GGCX (gamma-glutamyl carboxylase; minus strand). Cytogenetic location: 2p11.2.
Variant type: single nucleotide variant.
Coding change: c.1901T>C on transcript NM_000821.7 (MANE Select); coding-DNA position 1901, T replaced by C.
Protein change: p.Leu634Pro; replaces leucine 634 with proline.
Molecular consequence: missense variant.
Genome position (GRCh38, 1-based): chr2:85,550,738, A>G on the plus strand (T>C on the coding strand, the complement: GGCX is on the minus strand). VCF-style: chr2-85550738-A-G. GRCh37 (hg19) VCF-style: chr2-85777861-A-G.
Other names: c.1730T>C, p.Leu577Pro (NM_001142269.4); short protein forms L634P, L577P.
Identifiers: ClinVar variation 1446167 (VCV001446167.3), dbSNP rs55778564, ClinGen allele CA1741688.
Genomic context (GRCh38, chr2:85,550,738, plus strand): 5'-GGTGTTGGCTCAGGGCCCCCTTTTACTTCCCCTTCCAACAGAGGCTGCAGCTCTGGGGGT[A>G]GAGGCCCTGTTTCTGCCCGGAAGACAGAAAAAAGAGGAATCACTGAGATGGATCACTCTC-3'
Protein context (NP_000812.2, residues 624-644): KVENGSETGP[Leu634Pro]PPELQPLLEG